The following is an entry in ClinVar:

NM_177438.3(DICER1):c.4439A>G (p.Glu1480Gly)

Gene: DICER1 (dicer 1, ribonuclease III; minus strand). Cytogenetic location: 14q32.13.
Variant type: single nucleotide variant.
Coding change: c.4439A>G on transcript NM_177438.3 (MANE Select); coding-DNA position 4439, A replaced by G.
Protein change: p.Glu1480Gly; replaces glutamic acid 1480 with glycine.
Molecular consequence: missense variant. On other transcripts: non-coding transcript variant (6).
Genome position (GRCh38, 1-based): chr14:95,096,481, T>C on the plus strand (A>G on the coding strand, the complement: DICER1 is on the minus strand). VCF-style: chr14-95096481-T-C. GRCh37 (hg19) VCF-style: chr14-95562818-T-C.
Other names: c.4439A>G, p.Glu1480Gly (NM_001195573.1, NM_001271282.3, NM_001291628.2 and 13 more transcripts); c.4157A>G, p.Glu1386Gly (NM_001395686.1); c.4034A>G, p.Glu1345Gly (NM_001395687.1, NM_001395688.1, NM_001395689.1 and 2 more transcripts); c.3872A>G, p.Glu1291Gly (NM_001395691.1); c.2756A>G, p.Glu919Gly (NM_001395697.1); short protein forms E1291G, E1345G, E1386G, E1480G, E919G.
Identifiers: ClinVar variation 3229409 (VCV003229409.1), dbSNP rs2542502841, ClinGen allele CA390868516.

ClinVar aggregate classification (germline): Uncertain significance (1 of 4 stars; one submission).

Conditions:
Hereditary cancer-predisposing syndrome. Also called: Neoplastic Syndromes, Hereditary; Tumor predisposition; Hereditary neoplastic syndrome; Hereditary Cancer Syndrome. Identifiers: Orphanet 140162, MedGen C0027672, MeSH D009386, MONDO:0015356.

Submission:

Ambry Genetics
Classification: Uncertain significance for Hereditary cancer-predisposing syndrome. Last evaluated: 2024-03-08. Review status: criteria provided, single submitter. Criteria: Ambry Variant Classification Scheme 2023. Collection method: clinical testing. Allele origin: germline.
Comment: The p.E1480G variant (also known as c.4439A>G), located in coding exon 22 of the DICER1 gene, results from an A to G substitution at nucleotide position 4439. The glutamic acid at codon 1480 is replaced by glycine, an amino acid with similar properties. This amino acid position is conserved. In addition, this alteration is predicted to be deleterious by in silico analysis. Based on the available evidence, the clinical significance of this alteration remains unclear.